The following is an entry in ClinVar:

NM_153717.3(EVC):c.1284_1287del (p.Phe429fs)

Gene: EVC (EvC ciliary complex subunit 1; plus strand). Cytogenetic location: 4p16.2.
Variant type: Deletion.
Coding change: c.1284_1287del on transcript NM_153717.3 (MANE Select); coding-DNA positions 1284 to 1287, 4 bases deleted (CTTC; older notation c.1284_1287delCTTC).
Protein change: p.Phe429fs; shifts the reading frame from phenylalanine 429.
Molecular consequence: frameshift variant.
Genome position (GRCh38, 1-based): chr4:5,753,021-5,753,024, CTTC deleted; deleting any 4 consecutive bases within chr4:5,753,020-5,753,024 gives the same sequence; the c. name uses the placement nearest the transcript's 3' end. VCF-style (leftmost placement, unchanged base first): chr4-5753019-GCCTT-G. GRCh37 (hg19) VCF-style: chr4-5754746-GCCTT-G.
Other names: c.1284_1287del, p.Phe429fs (NM_001306090.2, NM_001306092.2); short protein forms F429fs.
Identifiers: ClinVar variation 1726467 (VCV001726467.2), dbSNP rs2475386527, ClinGen allele CA913107079.
Genomic context (GRCh38, chr4:5,753,019, plus strand): 5'-GCTGGTGAGGGGAAGCTGTCCGGGCGGCAGAAGGAGGAGCTGCTCACGCAGCAGCACAAG[GCCTT>G]CTGGCAGGAGGCAGAGCGCTTCAGCCGGGGTGAGCCGTGGGCATGGGTGCCGCCGTCCAC-3'

ClinVar aggregate classification (germline): Likely pathogenic (1 of 4 stars; one submission).

Conditions:
Ellis-van Creveld syndrome (EVC). Also called: EVC-Related Ellis-van Creveld Syndrome; EVC2-Related Ellis-van Creveld Syndrome; MESOECTODERMAL DYSPLASIA; Chondroectodermal dysplasia. Identifiers: Orphanet 289, MedGen C0013903, MONDO:0009162, OMIM 225500.

Submission:

Myriad Genetics, Inc.
Classification: Likely pathogenic for Ellis-van Creveld syndrome. Last evaluated: 2021-12-17. Review status: criteria provided, single submitter. Criteria: Myriad Women's Health Autosomal Recessive and X-Linked Classification Criteria (2021). Collection method: clinical testing. Allele origin: unknown.
Comment: NM_153717.2(EVC):c.1284_1287delCTTC(F429Gfs*70) is expected to be pathogenic in the context of EVC-related Ellis-van Creveld syndrome. This variant is predicted to lead to an abnormal or absent protein product due to the creation of a premature termination codon in EVC, a gene where loss-of-function variants are known to be pathogenic. Please note: this variant was assessed in the context of healthy population screening.